The following is an entry in ClinVar:

NM_000400.4(ERCC2):c.2138G>C (p.Gly713Ala)

Gene: ERCC2 (ERCC excision repair 2, TFIIH core complex helicase subunit; minus strand). Cytogenetic location: 19q13.32.
Variant type: single nucleotide variant.
Coding change: c.2138G>C on transcript NM_000400.4 (MANE Select); coding-DNA position 2138, G replaced by C.
Protein change: p.Gly713Ala; replaces glycine 713 with alanine.
Molecular consequence: missense variant.
Genome position (GRCh38, 1-based): chr19:45,352,261, C>G on the plus strand (G>C on the coding strand, the complement: ERCC2 is on the minus strand). VCF-style: chr19-45352261-C-G. GRCh37 (hg19) VCF-style: chr19-45855519-C-G.
Other names: short protein forms G713A.
Identifiers: ClinVar variation 1786508 (VCV001786508.2), dbSNP rs1329763298, ClinGen allele CA406362089.
Genomic context (GRCh38, chr19:45,352,261, plus strand): 5'-GGCCTCACCCGGTGGAAGGGCTGTGCCATCTGCCGCAGGAAGTACTTGGCCACCTGGACA[C>G]CCTCGTCCACGGTCAGGTTGAGGTTGGCATCTGTGAGGTGCTCCTGGATCCAGCGGGGCA-3'
Protein context (NP_000391.1, residues 703-723): DANLNLTVDE[Gly713Ala]VQVAKYFLRQ

ClinVar aggregate classification (germline): Uncertain significance (1 of 4 stars; one submission).

Conditions:
Inborn genetic diseases. Identifiers: MedGen C0950123, MeSH D030342.

Allele frequency attached by ClinVar (database versions not stated): gnomAD 0.00001.

Submission:

Ambry Genetics
Classification: Uncertain significance for Inborn genetic diseases. Last evaluated: 2022-01-16. Review status: criteria provided, single submitter. Criteria: Ambry Variant Classification Scheme 2023. Collection method: clinical testing. Allele origin: germline.
Comment: The p.G713A variant (also known as c.2138G>C), located in coding exon 22 of the ERCC2 gene, results from a G to C substitution at nucleotide position 2138. The glycine at codon 713 is replaced by alanine, an amino acid with similar properties. This amino acid position is conserved. In addition, this alteration is predicted to be tolerated by in silico analysis. Since supporting evidence is limited at this time, the clinical significance of this alteration remains unclear.